The following is an entry in ClinVar:

ClinVar aggregate classification (germline): Uncertain significance. Review status: criteria provided, multiple submitters, no conflicts (2 of 4 stars). 5 submissions from 5 submitters: Uncertain significance (2). 3 of the submissions do not count toward it. Last evaluated 2022-10-13.

Allele frequency attached by ClinVar (database versions not stated): gnomAD exomes 0.00003 and 0.00004; ExAC 0.00004; TOPMed 0.00004; gnomAD 0.00007 and 0.00008.

Submissions (5):

Labcorp Genetics (formerly Invitae), Labcorp
Classification: Uncertain significance. Last evaluated: 2022-10-13. Review status: criteria provided, single submitter. Criteria: Invitae Variant Classification Sherloc (09022015). Collection method: clinical testing. Allele origin: germline.
Comment: This sequence change replaces aspartic acid, which is acidic and polar, with asparagine, which is neutral and polar, at codon 245 of the ERCC2 protein (p.Asp245Asn). This variant is present in population databases (rs777291413, gnomAD 0.005%). This variant has not been reported in the literature in individuals affected with ERCC2-related conditions. ClinVar contains an entry for this variant (Variation ID: 1174636). Advanced modeling of protein sequence and biophysical properties (such as structural, functional, and spatial information, amino acid conservation, physicochemical variation, residue mobility, and thermodynamic stability) performed at Invitae indicates that this missense variant is not expected to disrupt ERCC2 protein function. In summary, the available evidence is currently insufficient to determine the role of this variant in disease. Therefore, it has been classified as a Variant of Uncertain Significance.

Women's Health and Genetics/Laboratory Corporation of America, LabCorp
Classification: Uncertain significance. Last evaluated: 2022-05-25. Review status: criteria provided, single submitter. Criteria: LabCorp Variant Classification Summary - May 2015. Collection method: clinical testing. Allele origin: germline.
Comment: Variant summary: ERCC2 c.733G>A (p.Asp245Asn) results in a conservative amino acid change located in the DEAD2 domain (IPR010614) of the encoded protein sequence. Three of five in-silico tools predict a benign effect of the variant on protein function. The variant allele was found at a frequency of 3.2e-05 in 250228 control chromosomes (gnomAD). The available data on variant occurrences in the general population are insufficient to allow any conclusion about variant significance. To our knowledge, no occurrence of c.733G>A in individuals affected with Xeroderma Pigmentosum and no experimental evidence demonstrating its impact on protein function have been reported. No clinical diagnostic laboratories have submitted clinical-significance assessments for this variant to ClinVar after 2014. Based on the evidence outlined above, the variant was classified as uncertain significance.

Clinical Genetics DNA and cytogenetics Diagnostics Lab, Erasmus MC, Erasmus Medical Center
Classification: Uncertain significance. Review status: no assertion criteria provided. Collection method: clinical testing. Allele origin: germline. Affected: yes. Study: VKGL Data-share Consensus. Not counted in ClinVar's aggregate classification.

Diagnostic Laboratory, Department of Genetics, University Medical Center Groningen
Classification: Uncertain significance. Review status: no assertion criteria provided. Collection method: clinical testing. Allele origin: germline. Affected: yes. Study: VKGL Data-share Consensus. Not counted in ClinVar's aggregate classification.

Laboratory of Diagnostic Genome Analysis, Leiden University Medical Center (LUMC)
Classification: Uncertain significance. Review status: no assertion criteria provided. Collection method: clinical testing. Allele origin: germline. Affected: yes. Study: VKGL Data-share Consensus. Not counted in ClinVar's aggregate classification.

NM_000400.4(ERCC2):c.733G>A (p.Asp245Asn)

Gene: ERCC2 (ERCC excision repair 2, TFIIH core complex helicase subunit; minus strand). Cytogenetic location: 19q13.32.
Variant type: single nucleotide variant.
Coding change: c.733G>A on transcript NM_000400.4 (MANE Select); coding-DNA position 733, G replaced by A.
Protein change: p.Asp245Asn; replaces aspartic acid 245 with asparagine.
Molecular consequence: missense variant.
Genome position (GRCh38, 1-based): chr19:45,364,317, C>T on the plus strand (G>A on the coding strand, the complement: ERCC2 is on the minus strand). VCF-style: chr19-45364317-C-T. GRCh37 (hg19) VCF-style: chr19-45867575-C-T.
Other names: c.661G>A, p.Asp221Asn (NM_001130867.2); short protein forms D221N, D245N.
Identifiers: ClinVar variation 1174636 (VCV001174636.8), dbSNP rs777291413, ClinGen allele CA9513648.